The following is an entry in ClinVar:

ClinVar aggregate classification (germline): Uncertain significance. Review status: criteria provided, multiple submitters, no conflicts (2 of 4 stars). 7 submissions from 3 submitters: Uncertain significance (7). Last evaluated 2025-08-29.

Conditions:
Brachydactyly. Also called: Brachydactyly syndrome; Brachydactyly (disease). Identifiers: MedGen C0221357, MONDO:0021004, HP:0001156.
Acromesomelic dysplasia 2C, Hunter-Thompson type. Also called: Acromesomelic dysplasia, Hunter-Thompson type. Identifiers: Orphanet 968, MedGen C2930970, MONDO:0008717, OMIM 201250.
Grebe syndrome. Also called: ACROMESOMELIC DYSPLASIA 2A; GREBE DYSPLASIA; ACROMESOMELIC DYSPLASIA, GREBE TYPE. Identifiers: Orphanet 2098, MedGen C0265260, MONDO:0008703, OMIM 200700.
Acromesomelic dysplasia 2B. Also called: DU PAN SYNDROME. Identifiers: Orphanet 2639, MedGen C1856738, MONDO:0009231, OMIM 228900.
Multiple synostoses syndrome 2 (SYNS2). Identifiers: Orphanet 3237, MedGen C1832708, MONDO:0012394, OMIM 610017.

Allele frequency attached by ClinVar (database versions not stated): gnomAD 0.00002; TOPMed 0.00002; ExAC 0.00003; gnomAD exomes 0.00004 and 0.00008; ESP Exome Variant Server 0.00008.

Submissions (7):

Labcorp Genetics (formerly Invitae), Labcorp
Classification: Uncertain significance. Last evaluated: 2025-08-29. Review status: criteria provided, single submitter. Criteria: Invitae Variant Classification Sherloc (09022015). Collection method: clinical testing. Allele origin: germline.
Comment: This sequence change replaces phenylalanine, which is neutral and non-polar, with leucine, which is neutral and non-polar, at codon 9 of the GDF5 protein (p.Phe9Leu). This variant is present in population databases (rs373973964, gnomAD 0.01%). This variant has not been reported in the literature in individuals affected with GDF5-related conditions. ClinVar contains an entry for this variant (Variation ID: 595155). An algorithm developed to predict the effect of missense changes on protein structure and function outputs the following: PolyPhen-2: "Not Available". The leucine amino acid residue is found in multiple mammalian species, which suggests that this missense change does not adversely affect protein function. In summary, the available evidence is currently insufficient to determine the role of this variant in disease. Therefore, it has been classified as a Variant of Uncertain Significance.

Illumina Laboratory Services, Illumina
Classification: Uncertain significance for Acromesomelic dysplasia 2C, Hunter-Thompson type. Last evaluated: 2018-03-16. Review status: criteria provided, single submitter. Criteria: ICSL Variant Classification Criteria 13 December 2019. Collection method: clinical testing. Allele origin: germline.

Illumina Laboratory Services, Illumina
Classification: Uncertain significance for Brachydactyly. Last evaluated: 2018-03-16. Review status: criteria provided, single submitter. Criteria: ICSL Variant Classification Criteria 13 December 2019. Collection method: clinical testing. Allele origin: germline.

Illumina Laboratory Services, Illumina
Classification: Uncertain significance for Multiple synostoses syndrome 2. Last evaluated: 2018-03-16. Review status: criteria provided, single submitter. Criteria: ICSL Variant Classification Criteria 13 December 2019. Collection method: clinical testing. Allele origin: germline.

Illumina Laboratory Services, Illumina
Classification: Uncertain significance for Grebe syndrome. Last evaluated: 2018-03-16. Review status: criteria provided, single submitter. Criteria: ICSL Variant Classification Criteria 13 December 2019. Collection method: clinical testing. Allele origin: germline.

Illumina Laboratory Services, Illumina
Classification: Uncertain significance for Fibular hypoplasia and complex brachydactyly. Last evaluated: 2018-03-16. Review status: criteria provided, single submitter. Criteria: ICSL Variant Classification Criteria 13 December 2019. Collection method: clinical testing. Allele origin: germline.

Eurofins Ntd Llc (ga)
Classification: Uncertain significance. Last evaluated: 2017-12-19. Review status: criteria provided, single submitter. Criteria: EGL Classification Definitions 2015. Collection method: clinical testing. Allele origin: germline. Observed: 1 variant allele, 1 heterozygote.

NM_000557.5(GDF5):c.25T>C (p.Phe9Leu)

Gene: GDF5 (growth differentiation factor 5; minus strand). Cytogenetic location: 20q11.22.
Variant type: single nucleotide variant.
Coding change: c.25T>C on transcript NM_000557.5 (MANE Select); coding-DNA position 25, T replaced by C.
Protein change: p.Phe9Leu; replaces phenylalanine 9 with leucine.
Molecular consequence: missense variant.
Genome position (GRCh38, 1-based): chr20:35,437,904, A>G on the plus strand (T>C on the coding strand, the complement: GDF5 is on the minus strand). VCF-style: chr20-35437904-A-G. GRCh37 (hg19) VCF-style: chr20-34025684-A-G.
Other names: c.25T>C, p.Phe9Leu (NM_001319138.2); short protein forms F9L.
Identifiers: ClinVar variation 595155 (VCV000595155.11), dbSNP rs373973964, ClinGen allele CA9832443.